The following is an entry in ClinVar:

ClinVar aggregate classification (germline): Uncertain significance (1 of 4 stars; one submission).

Conditions:
Osteogenesis imperfecta type I (OI1). Also called: Classic Non-deforming Osteogenesis Imperfecta with Blue Sclerae; Lobstein's Disease; Osteogenesis imperfecta type 1; OI, TYPE I; OSTEOGENESIS IMPERFECTA TARDA; OSTEOGENESIS IMPERFECTA WITH BLUE SCLERAE. Identifiers: Orphanet 216796, Orphanet 666, MedGen C0023931, MONDO:0008146, OMIM 166200. Disease mechanism: loss of function.

Allele frequency attached by ClinVar (database versions not stated): gnomAD 0.00001; TOPMed 0.00002; ESP Exome Variant Server 0.00008.
gnomAD v4.1: 9 of 1,614,022 alleles (0.00056%); highest among the groups gnomAD compares: Non-Finnish European, 0.00068%; no homozygotes.

Submission:

Labcorp Genetics (formerly Invitae), Labcorp
Classification: Uncertain significance for Osteogenesis imperfecta type I. Last evaluated: 2024-09-29. Review status: criteria provided, single submitter. Criteria: Invitae Variant Classification Sherloc (09022015). Collection method: clinical testing. Allele origin: germline.
Comment: This sequence change replaces threonine, which is neutral and polar, with isoleucine, which is neutral and non-polar, at codon 103 of the COL1A1 protein (p.Thr103Ile). This variant is not present in population databases (gnomAD no frequency). This variant has not been reported in the literature in individuals affected with COL1A1-related conditions. ClinVar contains an entry for this variant (Variation ID: 639633). Invitae Evidence Modeling of protein sequence and biophysical properties (such as structural, functional, and spatial information, amino acid conservation, physicochemical variation, residue mobility, and thermodynamic stability) indicates that this missense variant is not expected to disrupt COL1A1 protein function with a negative predictive value of 95%. In summary, the available evidence is currently insufficient to determine the role of this variant in disease. Therefore, it has been classified as a Variant of Uncertain Significance.

NM_000088.4(COL1A1):c.308C>T (p.Thr103Ile)

Gene: COL1A1 (collagen type I alpha 1 chain; minus strand). Cytogenetic location: 17q21.33.
Variant type: single nucleotide variant.
Coding change: c.308C>T on transcript NM_000088.4 (MANE Select); coding-DNA position 308, C replaced by T.
Protein change: p.Thr103Ile; replaces threonine 103 with isoleucine.
Molecular consequence: missense variant.
Genome position (GRCh38, 1-based): chr17:50,199,581, G>A on the plus strand (C>T on the coding strand, the complement: COL1A1 is on the minus strand). VCF-style: chr17-50199581-G-A. GRCh37 (hg19) VCF-style: chr17-48276942-G-A.
Other names: short protein forms T103I.
Identifiers: ClinVar variation 639633 (VCV000639633.11), dbSNP rs369883704, ClinGen allele CA16040314.